The following is an entry in ClinVar:

ClinVar aggregate classification (germline): Uncertain significance (0 of 4 stars; one submission).

Conditions:
TSHR-related disorder. Also called: TSHR-related condition; TSHR-related disorders.

gnomAD v4.1: 6 of 1,613,904 alleles (0.00037%); highest among the groups gnomAD compares: Non-Finnish European, 0.00042%; no homozygotes.

Submission:

PreventionGenetics, part of Exact Sciences
Classification: Uncertain significance for TSHR-related condition. Last evaluated: 2023-12-06. Review status: no assertion criteria provided. Collection method: clinical testing. Allele origin: germline.
Comment: The TSHR c.1657G>T variant is predicted to result in the amino acid substitution p.Ala553Ser. To our knowledge, this variant has not been reported in the literature. This variant is reported in 0.0018% of alleles in individuals of European (Non-Finnish) descent in gnomAD. However, a different missense variant impacting the same amino acid residue, p.Ala553Thr, has been reported in homozygous and compound heterozygous individuals with a hypothyroidism phenotype (Abramowicz et al. 1997. PubMed ID: 9185526; Park et al. 2004. PubMed ID: 14725684). Taken together, while we suspect that the c.1657G>T (p.Ala553Ser) variant could be pathogenic, at this time we interpret its clinical significance as uncertain due to the absence of conclusive functional and genetic evidence.

NM_000369.5(TSHR):c.1657G>T (p.Ala553Ser)

Genes: TSHR (thyroid stimulating hormone receptor; plus strand), TSHR-AS1 (TSHR antisense RNA 1; minus strand). Cytogenetic location: 14q31.1.
Variant type: single nucleotide variant.
Coding change: c.1657G>T on transcript NM_000369.5 (MANE Select); coding-DNA position 1657, G replaced by T.
Protein change: p.Ala553Ser; replaces alanine 553 with serine.
Molecular consequence: missense variant.
Genome position (GRCh38, 1-based): chr14:81,143,715, G>T. VCF-style: chr14-81143715-G-T. GRCh37 (hg19) VCF-style: chr14-81610059-G-T.
Other names: short protein forms A553S.
Identifiers: ClinVar variation 2634929 (VCV002634929.3), dbSNP rs121908872, ClinGen allele CA7294506.